The following is an entry in ClinVar:

ClinVar aggregate classification (germline): Uncertain significance (1 of 4 stars; one submission).

Conditions:
Early-infantile DEE. Also called: Early infantile epileptic encephalopathy with suppression bursts; Early infantile epileptic encephalopathy; Ohtahara syndrome. Identifiers: Orphanet 1934, MedGen C0393706, MONDO:0800491.

Submission:

Labcorp Genetics (formerly Invitae), Labcorp
Classification: Uncertain significance for Early-infantile DEE. Last evaluated: 2025-06-07. Review status: criteria provided, single submitter. Criteria: Invitae Variant Classification Sherloc (09022015). Collection method: clinical testing. Allele origin: germline.
Comment: This sequence change replaces threonine, which is neutral and polar, with isoleucine, which is neutral and non-polar, at codon 597 of the SCN1A protein (p.Thr597Ile). This variant is not present in population databases (gnomAD no frequency). This variant has not been reported in the literature in individuals affected with SCN1A-related conditions. Invitae Evidence Modeling of protein sequence and biophysical properties (such as structural, functional, and spatial information, amino acid conservation, physicochemical variation, residue mobility, and thermodynamic stability) indicates that this missense variant is not expected to disrupt SCN1A protein function with a negative predictive value of 95%. In summary, the available evidence is currently insufficient to determine the role of this variant in disease. Therefore, it has been classified as a Variant of Uncertain Significance.

NM_001165963.4(SCN1A):c.1790C>T (p.Thr597Ile)

Gene: SCN1A (sodium voltage-gated channel alpha subunit 1; minus strand). Cytogenetic location: 2q24.3.
Variant type: single nucleotide variant.
Coding change: c.1790C>T on transcript NM_001165963.4 (MANE Select); coding-DNA position 1790, C replaced by T.
Protein change: p.Thr597Ile; replaces threonine 597 with isoleucine.
Molecular consequence: missense variant. On other transcripts: 5 prime UTR variant (1), non-coding transcript variant (1).
Genome position (GRCh38, 1-based): chr2:166,043,922, G>A on the plus strand (C>T on the coding strand, the complement: SCN1A is on the minus strand). VCF-style: chr2-166043922-G-A. GRCh37 (hg19) VCF-style: chr2-166900432-G-A.
Other names: c.1790C>T, p.Thr597Ile (NM_001165964.3, NM_001202435.3, NM_001353948.2 and 7 more transcripts); c.1787C>T, p.Thr596Ile (NM_001353954.2, NM_001353955.2, NM_001353960.2); c.-636C>T (NM_001353961.2); short protein forms T596I, T597I.
Identifiers: ClinVar variation 4800286 (VCV004800286.1).